The following is an entry in ClinVar:

ClinVar aggregate classification (germline): Uncertain significance (1 of 4 stars; one submission).

Conditions:
Cohen syndrome (COH1). Also called: Cutis verticis gyrata, retinitis pigmentosa, and sensorineural deafness; PEPPER SYNDROME. Identifiers: Orphanet 193, MedGen C0265223, MONDO:0008999, OMIM 216550.

Submission:

Labcorp Genetics (formerly Invitae), Labcorp
Classification: Uncertain significance for Cohen syndrome. Last evaluated: 2022-03-11. Review status: criteria provided, single submitter. Criteria: Invitae Variant Classification Sherloc (09022015). Collection method: clinical testing. Allele origin: germline.
Comment: In summary, the available evidence is currently insufficient to determine the role of this variant in disease. Therefore, it has been classified as a Variant of Uncertain Significance. Algorithms developed to predict the effect of missense changes on protein structure and function are either unavailable or do not agree on the potential impact of this missense change (SIFT: "Not Available"; PolyPhen-2: "Possibly Damaging"; Align-GVGD: "Not Available"). This variant has not been reported in the literature in individuals affected with VPS13B-related conditions. This variant is not present in population databases (gnomAD no frequency). This sequence change replaces serine, which is neutral and polar, with phenylalanine, which is neutral and non-polar, at codon 2442 of the VPS13B protein (p.Ser2442Phe).

NM_152564.5(VPS13B):c.7250C>T (p.Ser2417Phe)

Gene: VPS13B (vacuolar protein sorting 13 homolog B; plus strand). Cytogenetic location: 8q22.2.
Variant type: single nucleotide variant.
Coding change: c.7250C>T on transcript NM_152564.5 (MANE Select); coding-DNA position 7250, C replaced by T.
Protein change: p.Ser2417Phe; replaces serine 2417 with phenylalanine.
Molecular consequence: missense variant.
Genome position (GRCh38, 1-based): chr8:99,776,777, C>T. VCF-style: chr8-99776777-C-T. GRCh37 (hg19) VCF-style: chr8-100789005-C-T.
Other names: c.7325C>T, p.Ser2442Phe (NM_017890.5); short protein forms S2417F, S2442F.
Identifiers: ClinVar variation 2109164 (VCV002109164.4), dbSNP rs1811761899, ClinGen allele CA371875541.